The following is an entry in ClinVar:

ClinVar aggregate classification (germline): Uncertain significance (1 of 4 stars; one submission).

Conditions:
FG syndrome (FGS). Identifiers: MedGen C0220769, MONDO:0002010.

Submission:

Labcorp Genetics (formerly Invitae), Labcorp
Classification: Uncertain significance for FG syndrome. Last evaluated: 2024-10-28. Review status: criteria provided, single submitter. Criteria: Invitae Variant Classification Sherloc (09022015). Collection method: clinical testing. Allele origin: germline.
Comment: This sequence change replaces threonine, which is neutral and polar, with serine, which is neutral and polar, at codon 2013 of the MED12 protein (p.Thr2013Ser). This variant is not present in population databases (gnomAD no frequency). This variant has not been reported in the literature in individuals affected with MED12-related conditions. ClinVar contains an entry for this variant (Variation ID: 1898283). Invitae Evidence Modeling of protein sequence and biophysical properties (such as structural, functional, and spatial information, amino acid conservation, physicochemical variation, residue mobility, and thermodynamic stability) indicates that this missense variant is not expected to disrupt MED12 protein function with a negative predictive value of 95%. In summary, the available evidence is currently insufficient to determine the role of this variant in disease. Therefore, it has been classified as a Variant of Uncertain Significance.

NM_005120.3(MED12):c.6038C>G (p.Thr2013Ser)

Gene: MED12 (mediator complex subunit 12; plus strand). Cytogenetic location: Xq13.1.
Variant type: single nucleotide variant.
Coding change: c.6038C>G on transcript NM_005120.3 (MANE Select); coding-DNA position 6038, C replaced by G.
Protein change: p.Thr2013Ser; replaces threonine 2013 with serine.
Molecular consequence: missense variant.
Genome position (GRCh38, 1-based): chrX:71,137,937, C>G. VCF-style: chrX-71137937-C-G. GRCh37 (hg19) VCF-style: chrX-70357787-C-G.
Other names: short protein forms T2013S.
Identifiers: ClinVar variation 1898283 (VCV001898283.5), dbSNP rs2519715906, ClinGen allele CA413539615.